The following is an entry in ClinVar:

NM_007294.4(BRCA1):c.3192T>G (p.Ser1064Arg)

Gene: BRCA1 (BRCA1 DNA repair associated; minus strand). Cytogenetic location: 17q21.31.
Variant type: single nucleotide variant.
Coding change: c.3192T>G on transcript NM_007294.4 (MANE Select); coding-DNA position 3192, T replaced by G.
Protein change: p.Ser1064Arg; replaces serine 1064 with arginine.
Molecular consequence: missense variant. On other transcripts: intron variant (137).
Genome position (GRCh38, 1-based): chr17:43,092,339, A>C on the plus strand (T>G on the coding strand, the complement: BRCA1 is on the minus strand). VCF-style: chr17-43092339-A-C. GRCh37 (hg19) VCF-style: chr17-41244356-A-C.
Other names: c.2979T>G, p.Ser993Arg (NM_001407571.1, NM_001407853.1, NM_001407894.1 and 9 more transcripts); c.3192T>G, p.Ser1064Arg (NM_001407581.1, NM_001407582.1, NM_001407583.1 and 30 more transcripts); c.3189T>G, p.Ser1063Arg (NM_001407587.1, NM_001407590.1, NM_001407591.1 and 22 more transcripts); c.3183T>G, p.Ser1061Arg (NM_001407646.1, NM_001407647.1); c.3069T>G, p.Ser1023Arg (NM_001407648.1, NM_001407664.1, NM_001407665.1 and 19 more transcripts); c.3066T>G, p.Ser1022Arg (NM_001407649.1, NM_001407670.1, NM_001407671.1 and 11 more transcripts); c.3114T>G, p.Ser1038Arg (NM_001407653.1, NM_001407654.1, NM_001407655.1 and 4 more transcripts); c.3111T>G, p.Ser1037Arg (NM_001407659.1, NM_001407660.1, NM_001407661.1 and 1 more transcripts); and 41 more; short protein forms S1064R, S1017R, S1016R, S896R, S953R, S997R, S1022R, S1038R.
Identifiers: ClinVar variation 1485049 (VCV001485049.11), dbSNP rs2154337710, ClinGen allele CA10595602.

ClinVar aggregate classification (germline): Conflicting classifications of pathogenicity. Review status: criteria provided, conflicting classifications (1 of 4 stars). 2 submissions from 2 submitters: Uncertain significance (1); Likely benign (1). Last evaluated 2023-03-23.

Conditions:
Hereditary cancer-predisposing syndrome. Also called: Hereditary neoplastic syndrome; Neoplastic Syndromes, Hereditary; Hereditary Cancer Syndrome; Tumor predisposition. Identifiers: Orphanet 140162, MedGen C0027672, MeSH D009386, MONDO:0015356.
Hereditary breast ovarian cancer syndrome. Also called: Hereditary breast and/or ovarian cancer syndrome; Hereditary breast and ovarian cancer syndrome (HBOC); Breast and ovarian cancer; Hereditary breast and ovarian cancer; Hereditary breast and ovarian cancer syndrome; BRCA1- and BRCA2-Associated Hereditary Breast and Ovarian Cancer. Identifiers: Orphanet 145, MedGen C0677776, MeSH D061325, MONDO:0003582. Disease mechanism: loss of function.

Submissions (2):

University of Washington Department of Laboratory Medicine, University of Washington
Classification: Likely benign for Hereditary cancer-predisposing syndrome. Last evaluated: 2023-03-23. Review status: criteria provided, single submitter. Criteria: Dines et al. (Genet Med. 2020). Collection method: curation. Allele origin: germline.
Comment: Missense variant in a coldspot region where missense variants are very unlikely to be pathogenic (PMID:31911673).

BRCA1 coldspot (exon 11 using historical exon numbering). Reclassification based on statistical prior probability

Labcorp Genetics (formerly Invitae), Labcorp
Classification: Uncertain significance for Hereditary breast ovarian cancer syndrome. Last evaluated: 2021-03-24. Review status: criteria provided, single submitter. Criteria: Invitae Variant Classification Sherloc (09022015). Collection method: clinical testing. Allele origin: germline.
Comment: In summary, the available evidence is currently insufficient to determine the role of this variant in disease. Therefore, it has been classified as a Variant of Uncertain Significance. Advanced modeling of protein sequence and biophysical properties (such as structural, functional, and spatial information, amino acid conservation, physicochemical variation, residue mobility, and thermodynamic stability) performed at Invitae indicates that this missense variant is not expected to disrupt BRCA1 protein function. This variant has not been reported in the literature in individuals with BRCA1-related conditions. This variant is not present in population databases (ExAC no frequency). This sequence change replaces serine with arginine at codon 1064 of the BRCA1 protein (p.Ser1064Arg). The serine residue is moderately conserved and there is a moderate physicochemical difference between serine and arginine.